The following is an entry in ClinVar:

NM_001166114.2(PNPLA6):c.3280+12C>T

Gene: PNPLA6 (patatin like domain 6, lysophospholipase; plus strand). Cytogenetic location: 19p13.2.
Variant type: single nucleotide variant.
Coding change: c.3280+12C>T on transcript NM_001166114.2 (MANE Select); 12 bases into the intron after coding-DNA position 3280, C replaced by T.
Molecular consequence: intron variant.
Genome position (GRCh38, 1-based): chr19:7,556,736, C>T. VCF-style: chr19-7556736-C-T. GRCh37 (hg19) VCF-style: chr19-7621622-C-T.
Other names: c.3166+12C>T (NM_006702.5, NM_001166113.1); c.3085+12C>T (NM_001166112.2); c.3310+12C>T (NM_001166111.2).
Identifiers: ClinVar variation 514277 (VCV000514277.8), dbSNP rs201782128, ClinGen allele CA9140392.
Genomic context (GRCh38, chr19:7,556,736, plus strand): 5'-AACGTGACCACAGATATCACCGCCTCAGCCATGCGAGTCCACAAAGATGGTGGGTGTCCC[C>T]GCCCAGCCTGCAGCAACCGCTGACGCCACGTGGGGTTGGGGGGATGCTTCCGGGAGGGCC-3'

ClinVar aggregate classification (germline): Likely benign. Review status: criteria provided, multiple submitters, no conflicts (2 of 4 stars). 2 submissions from 2 submitters: Likely benign (2). Last evaluated 2025-03-17.

Conditions:
Hereditary spastic paraplegia 39 (SPG39). Also called: SPASTIC PARAPLEGIA 39, AUTOSOMAL RECESSIVE; Spastic Paraplegia Type 39 (SPG39). Identifiers: Orphanet 139480, MedGen C2677586, MONDO:0012787, OMIM 612020.

Allele frequency attached by ClinVar (database versions not stated): gnomAD 0.00004 and 0.00005; gnomAD exomes 0.00004 and 0.00005; TOPMed 0.00005; ExAC 0.00007.

Submissions (2):

Labcorp Genetics (formerly Invitae), Labcorp
Classification: Likely benign for Hereditary spastic paraplegia 39. Last evaluated: 2025-03-17. Review status: criteria provided, single submitter. Criteria: Invitae Variant Classification Sherloc (09022015). Collection method: clinical testing. Allele origin: germline.

GeneDx
Classification: Likely benign. Last evaluated: 2018-01-05. Review status: criteria provided, single submitter. Criteria: GeneDx Variant Classification (06012015). Collection method: clinical testing. Allele origin: germline. Affected: yes.
Comment: This variant is considered likely benign or benign based on one or more of the following criteria: it is a conservative change, it occurs at a poorly conserved position in the protein, it is predicted to be benign by multiple in silico algorithms, and/or has population frequency not consistent with disease.